The following is an entry in ClinVar:

ClinVar aggregate classification (germline): Uncertain significance (1 of 4 stars; one submission).

Conditions:
Breast-ovarian cancer, familial, susceptibility to, 4. Identifiers: Orphanet 145, MedGen C3280345, MONDO:0013669, OMIM 614291.

Submission:

Labcorp Genetics (formerly Invitae), Labcorp
Classification: Uncertain significance for Breast-ovarian cancer, familial, susceptibility to, 4. Last evaluated: 2025-07-02. Review status: criteria provided, single submitter. Criteria: Invitae Variant Classification Sherloc (09022015). Collection method: clinical testing. Allele origin: germline.
Comment: This sequence change replaces glycine, which is neutral and non-polar, with valine, which is neutral and non-polar, at codon 11 of the RAD51D protein (p.Gly11Val). This variant is not present in population databases (gnomAD no frequency). This variant has not been reported in the literature in individuals affected with RAD51D-related conditions. An algorithm developed to predict the effect of missense changes on protein structure and function (PolyPhen-2) suggests that this variant is likely to be disruptive. In summary, the available evidence is currently insufficient to determine the role of this variant in disease. Therefore, it has been classified as a Variant of Uncertain Significance.

NM_002878.4(RAD51D):c.32G>T (p.Gly11Val)

Genes: RAD51D (RAD51 paralog D; minus strand), RAD51L3-RFFL (RAD51L3-RFFL readthrough; minus strand). Cytogenetic location: 17q12.
Variant type: single nucleotide variant.
Coding change: c.32G>T on transcript NM_002878.4 (MANE Select); coding-DNA position 32, G replaced by T.
Protein change: p.Gly11Val; replaces glycine 11 with valine.
Molecular consequence: missense variant. On other transcripts: non-coding transcript variant (2).
Genome position (GRCh38, 1-based): chr17:35,119,582, C>A on the plus strand (G>T on the coding strand, the complement: RAD51D is on the minus strand). VCF-style: chr17-35119582-C-A. GRCh37 (hg19) VCF-style: chr17-33446601-C-A.
Other names: c.32G>T, p.Gly11Val (NM_001142571.2, NM_133629.3); short protein forms G11V.
Identifiers: ClinVar variation 4769164 (VCV004769164.1).